The following is an entry in ClinVar:

ClinVar aggregate classification (germline): Likely benign. Review status: criteria provided, multiple submitters, no conflicts (2 of 4 stars). 2 submissions from 2 submitters: Likely benign (2). Last evaluated 2024-04-12.

Conditions:
Early-infantile DEE. Also called: Early infantile epileptic encephalopathy with suppression bursts; Ohtahara syndrome; Early infantile epileptic encephalopathy. Identifiers: Orphanet 1934, MedGen C0393706, MONDO:0800491.

Allele frequency attached by ClinVar (database versions not stated): gnomAD 0.00001; gnomAD exomes 0.00001 and 0.00002; TOPMed 0.00001; ExAC 0.00003.

Submissions (2):

Labcorp Genetics (formerly Invitae), Labcorp
Classification: Likely benign for Early-infantile DEE. Last evaluated: 2024-04-12. Review status: criteria provided, single submitter. Criteria: Invitae Variant Classification Sherloc (09022015). Collection method: clinical testing. Allele origin: germline.

GeneDx
Classification: Likely benign. Last evaluated: 2018-01-24. Review status: criteria provided, single submitter. Criteria: GeneDx Variant Classification (06012015). Collection method: clinical testing. Allele origin: germline. Affected: yes.
Comment: This variant is considered likely benign or benign based on one or more of the following criteria: it is a conservative change, it occurs at a poorly conserved position in the protein, it is predicted to be benign by multiple in silico algorithms, and/or has population frequency not consistent with disease.

NM_001130438.3(SPTAN1):c.5148+17G>A

Gene: SPTAN1 (spectrin alpha, non-erythrocytic 1; plus strand). Cytogenetic location: 9q34.11.
Variant type: single nucleotide variant.
Coding change: c.5148+17G>A on transcript NM_001130438.3 (MANE Select); 17 bases into the intron after coding-DNA position 5148, G replaced by A.
Molecular consequence: intron variant.
Genome position (GRCh38, 1-based): chr9:128,613,502, G>A. VCF-style: chr9-128613502-G-A. GRCh37 (hg19) VCF-style: chr9-131375781-G-A.
Other names: c.5148+17G>A (NM_001363759.2); c.5133+17G>A (NM_003127.4); c.5088+17G>A (NM_001363765.2); c.5073+17G>A (NM_001195532.2).
Identifiers: ClinVar variation 514995 (VCV000514995.9), dbSNP rs758490204, ClinGen allele CA5265381.